The following is an entry in ClinVar:

ClinVar aggregate classification (germline): Likely benign. Review status: criteria provided, multiple submitters, no conflicts (2 of 4 stars). 2 submissions from 2 submitters: Likely benign (2). Last evaluated 2017-06-05.

Allele frequency attached by ClinVar (database versions not stated): 1000 Genomes Project 0.45168; gnomAD 0.27558 and 0.28926; TOPMed 0.29930; gnomAD exomes 0.31956; 1000 Genomes Project 30x 0.44222.

Submissions (25):

GeneDx
Classification: Likely benign. Last evaluated: 2017-06-05. Review status: criteria provided, single submitter. Criteria: GeneDx Variant Classification (06012015). Collection method: clinical testing. Allele origin: germline. Affected: yes.
Comment: This variant is considered likely benign or benign based on one or more of the following criteria: it is a conservative change, it occurs at a poorly conserved position in the protein, it is predicted to be benign by multiple in silico algorithms, and/or has population frequency not consistent with disease.

Breakthrough Genomics
Classification: Likely benign. Review status: criteria provided, single submitter. Criteria: ACMG Guidelines, 2015. Collection method: not provided. Allele origin: germline. Inheritance: Autosomal dominant inheritance. Affected: yes.

Dr. Peter K. Rogan Lab, Western University
No classification provided (evidence only). Condition: Lung cancer. Review status: no classification provided. Collection method: in vitro. Allele origin: not applicable. Functional consequence: cryptic splice site, retained intron. Not counted in ClinVar's aggregate classification.

Dr. Peter K. Rogan Lab, Western University
No classification provided (evidence only). Condition: Lung cancer. Review status: no classification provided. Collection method: in vitro. Allele origin: not applicable. Functional consequence: retained intron. Not counted in ClinVar's aggregate classification.

Dr. Peter K. Rogan Lab, Western University
No classification provided (evidence only). Condition: Lung cancer. Review status: no classification provided. Collection method: in vitro. Allele origin: not applicable. Functional consequence: cryptic splice site. Not counted in ClinVar's aggregate classification.

Dr. Peter K. Rogan Lab, Western University
No classification provided (evidence only). Condition: Lung cancer. Review status: no classification provided. Collection method: in vitro. Allele origin: not applicable. Functional consequence: cryptic splice site, retained intron. Not counted in ClinVar's aggregate classification.

Dr. Peter K. Rogan Lab, Western University
No classification provided (evidence only). Condition: Familial cancer of breast. Review status: no classification provided. Collection method: in vitro. Allele origin: not applicable. Functional consequence: cryptic splice site. Not counted in ClinVar's aggregate classification.

Dr. Peter K. Rogan Lab, Western University
No classification provided (evidence only). Condition: Acute myeloid leukemia. Review status: no classification provided. Collection method: in vitro. Allele origin: not applicable. Functional consequence: retained intron. Not counted in ClinVar's aggregate classification.

Dr. Peter K. Rogan Lab, Western University
No classification provided (evidence only). Condition: Acute myeloid leukemia. Review status: no classification provided. Collection method: in vitro. Allele origin: not applicable. Functional consequence: cryptic splice site. Not counted in ClinVar's aggregate classification.

Dr. Peter K. Rogan Lab, Western University
No classification provided (evidence only). Condition: Acute myeloid leukemia. Review status: no classification provided. Collection method: in vitro. Allele origin: not applicable. Functional consequence: retained intron. Not counted in ClinVar's aggregate classification.

Dr. Peter K. Rogan Lab, Western University
No classification provided (evidence only). Condition: Uterine corpus endometrial carcinoma. Review status: no classification provided. Collection method: in vitro. Allele origin: not applicable. Functional consequence: cryptic splice site, retained intron. Not counted in ClinVar's aggregate classification.

Dr. Peter K. Rogan Lab, Western University
No classification provided (evidence only). Condition: Cervical cancer. Review status: no classification provided. Collection method: in vitro. Allele origin: not applicable. Functional consequence: retained intron. Not counted in ClinVar's aggregate classification.

Dr. Peter K. Rogan Lab, Western University
No classification provided (evidence only). Condition: Sarcoma. Review status: no classification provided. Collection method: in vitro. Allele origin: not applicable. Functional consequence: cryptic splice site. Not counted in ClinVar's aggregate classification.

Dr. Peter K. Rogan Lab, Western University
No classification provided (evidence only). Condition: Sarcoma. Review status: no classification provided. Collection method: in vitro. Allele origin: not applicable. Functional consequence: cryptic splice site, retained intron. Not counted in ClinVar's aggregate classification.

Dr. Peter K. Rogan Lab, Western University
No classification provided (evidence only). Condition: Sarcoma. Review status: no classification provided. Collection method: in vitro. Allele origin: not applicable. Functional consequence: cryptic splice site, retained intron. Not counted in ClinVar's aggregate classification.

Dr. Peter K. Rogan Lab, Western University
No classification provided (evidence only). Condition: Thymoma. Review status: no classification provided. Collection method: in vitro. Allele origin: not applicable. Functional consequence: retained intron. Not counted in ClinVar's aggregate classification.

Dr. Peter K. Rogan Lab, Western University
No classification provided (evidence only). Condition: Uterine carcinosarcoma. Review status: no classification provided. Collection method: in vitro. Allele origin: not applicable. Functional consequence: retained intron. Not counted in ClinVar's aggregate classification.

Dr. Peter K. Rogan Lab, Western University
No classification provided (evidence only). Condition: Uterine carcinosarcoma. Review status: no classification provided. Collection method: in vitro. Allele origin: not applicable. Functional consequence: cryptic splice site, retained intron. Not counted in ClinVar's aggregate classification.

Dr. Peter K. Rogan Lab, Western University
No classification provided (evidence only). Condition: Uterine carcinosarcoma. Review status: no classification provided. Collection method: in vitro. Allele origin: not applicable. Functional consequence: cryptic splice site. Not counted in ClinVar's aggregate classification.

Dr. Peter K. Rogan Lab, Western University
No classification provided (evidence only). Condition: Uterine carcinosarcoma. Review status: no classification provided. Collection method: in vitro. Allele origin: not applicable. Functional consequence: retained intron. Not counted in ClinVar's aggregate classification.

Dr. Peter K. Rogan Lab, Western University
No classification provided (evidence only). Condition: Uterine carcinosarcoma. Review status: no classification provided. Collection method: in vitro. Allele origin: not applicable. Functional consequence: retained intron. Not counted in ClinVar's aggregate classification.

Dr. Peter K. Rogan Lab, Western University
No classification provided (evidence only). Condition: Uterine carcinosarcoma. Review status: no classification provided. Collection method: in vitro. Allele origin: not applicable. Functional consequence: cryptic splice site, retained intron. Not counted in ClinVar's aggregate classification.

Dr. Peter K. Rogan Lab, Western University
No classification provided (evidence only). Condition: Uterine carcinosarcoma. Review status: no classification provided. Collection method: in vitro. Allele origin: not applicable. Functional consequence: cryptic splice site, retained intron. Not counted in ClinVar's aggregate classification.

Dr. Peter K. Rogan Lab, Western University
No classification provided (evidence only). Condition: Uterine carcinosarcoma. Review status: no classification provided. Collection method: in vitro. Allele origin: not applicable. Functional consequence: cryptic splice site, retained intron. Not counted in ClinVar's aggregate classification.

Dr. Peter K. Rogan Lab, Western University
No classification provided (evidence only). Condition: Malignant tumor of esophagus. Review status: no classification provided. Collection method: in vitro. Allele origin: not applicable. Functional consequence: cryptic splice site, retained intron. Not counted in ClinVar's aggregate classification.

NM_001614.5(ACTG1):c.-7+135C>T

Genes: ACTG1 (actin gamma 1; minus strand), LOC130061941 (ATAC-STARR-seq lymphoblastoid silent region 9128; plus strand). Cytogenetic location: 17q25.3.
Variant type: single nucleotide variant.
Coding change: c.-7+135C>T on transcript NM_001614.5 (MANE Select); 135 bases into the intron after 7 bases upstream of the start codon, C replaced by T.
Molecular consequence: intron variant.
Genome position (GRCh38, 1-based): chr17:81,512,599, G>A on the plus strand (C>T on the coding strand, the complement: ACTG1 is on the minus strand). VCF-style: chr17-81512599-G-A. GRCh37 (hg19) VCF-style: chr17-79479625-G-A.
Other names: NC_000017.10:g.79479625G>A; c.-7+16C>T (NM_001199954.3).
Identifiers: ClinVar variation 516171 (VCV000516171.3), dbSNP rs28698582, ClinGen allele CA14413789.